The following is an entry in ClinVar:

NM_000548.5(TSC2):c.2838-17C>T

Gene: TSC2 (TSC complex subunit 2; plus strand). Cytogenetic location: 16p13.3.
Variant type: single nucleotide variant.
Coding change: c.2838-17C>T on transcript NM_000548.5 (MANE Select); 17 bases into the intron before coding-DNA position 2838, C replaced by T.
Molecular consequence: intron variant.
Genome position (GRCh38, 1-based): chr16:2,077,581, C>T. VCF-style: chr16-2077581-C-T. GRCh37 (hg19) VCF-style: chr16-2127582-C-T.
Other names: c.1493+996C>T (NM_001406693.1, NM_001406690.1, NM_001406692.1 and 5 more transcripts); c.2927+996C>T (NM_001406667.1, NM_001406668.1); c.2238-17C>T (NM_001406680.1, NM_001406683.1, NM_001406682.1 and 1 more transcripts); c.2237+996C>T (NM_001406687.1, NM_001406685.1, NM_001406686.1 and 2 more transcripts); c.1494-17C>T (NM_001406689.1); c.1235+996C>T (NM_001406698.1); c.2838-17C>T (NM_001114382.3, NM_001406663.1, NM_001406664.1); c.2837+996C>T (NM_021055.3, NM_001370405.1, NM_001363528.2 and 3 more transcripts); and 8 more.
Identifiers: ClinVar variation 2729336 (VCV002729336.4), dbSNP rs1431191501, ClinGen allele CA620377221.

ClinVar aggregate classification (germline): Likely benign. Review status: criteria provided, multiple submitters, no conflicts (2 of 4 stars). 2 submissions from 2 submitters: Likely benign (2). Last evaluated 2025-10-21.

Conditions:
Tuberous sclerosis 2 (TSC2). Identifiers: Orphanet 805, MedGen C1860707, MONDO:0013199, OMIM 613254.

gnomAD v4.1: 1 of 1,612,658 alleles (0.000062%); highest among the groups gnomAD compares: African/African-American, 0.0013%; no homozygotes.

Submissions (2):

Labcorp Genetics (formerly Invitae), Labcorp
Classification: Likely benign for Tuberous sclerosis 2. Last evaluated: 2025-10-21. Review status: criteria provided, single submitter. Criteria: Invitae Variant Classification Sherloc (09022015). Collection method: clinical testing. Allele origin: germline.

Myriad Genetics, Inc.
Classification: Likely benign for Tuberous sclerosis 2. Last evaluated: 2025-05-27. Review status: criteria provided, single submitter. Criteria: Myriad Autosomal Dominant, Autosomal Recessive and X-Linked Classification Criteria (2023). Collection method: clinical testing. Allele origin: unknown.
Comment: This variant is considered likely benign. This variant is intronic and is not expected to impact mRNA splicing.